The following is an entry in ClinVar:

NM_000478.6(ALPL):c.1070G>A (p.Arg357Gln)

Gene: ALPL (alkaline phosphatase, biomineralization associated; plus strand). Cytogenetic location: 1p36.12.
Variant type: single nucleotide variant.
Coding change: c.1070G>A on transcript NM_000478.6 (MANE Select); coding-DNA position 1070, G replaced by A.
Protein change: p.Arg357Gln; replaces arginine 357 with glutamine.
Molecular consequence: missense variant.
Genome position (GRCh38, 1-based): chr1:21,575,805, G>A. VCF-style: chr1-21575805-G-A. GRCh37 (hg19) VCF-style: chr1-21902298-G-A.
Other names: c.905G>A, p.Arg302Gln (NM_001127501.4); c.839G>A, p.Arg280Gln (NM_001177520.3); c.1070G>A, p.Arg357Gln (NM_001369803.2, NM_001369804.2, NM_001369805.2); short protein forms R280Q, R302Q, R357Q.
Identifiers: ClinVar variation 1702519 (VCV001702519.9), dbSNP rs202022405, ClinGen allele CA666728.
Genomic context (GRCh38, chr1:21,575,805, plus strand): 5'-ACCACGGGCACCATGAAGGAAAAGCCAAGCAGGCCCTGCATGAGGCGGTGGAGATGGACC[G>A]GGCCATCGGGCAGGCAGGCAGCTTGACCTCCTCGGAAGACACTCTGACCGTGGTCACTGC-3'
Protein context (NP_000469.3, residues 347-367): QALHEAVEMD[Arg357Gln]AIGQAGSLTS

ClinVar aggregate classification (germline): Uncertain significance. Review status: criteria provided, multiple submitters, no conflicts (2 of 4 stars). 5 submissions from 5 submitters: Uncertain significance (5). Last evaluated 2026-09-01.

Conditions:
Childhood hypophosphatasia. Identifiers: Orphanet 247667, Orphanet 436, MedGen C0220743, MONDO:1010168, OMIM 241510, MONDO:0009428.
Infantile hypophosphatasia. Identifiers: Orphanet 247651, Orphanet 436, MedGen C0268412, MONDO:1010169, OMIM 241500, MONDO:0009427.
Adult hypophosphatasia. Identifiers: Orphanet 247676, Orphanet 436, MedGen C0268413, MONDO:1010154, OMIM 146300, MONDO:0007798.
Hypophosphatasia. Also called: Phosphoethanol-aminuria. Identifiers: Orphanet 436, MedGen C0020630, MeSH D007014, MONDO:0018570.
Connective tissue disorder. Also called: Connective tissue disease. Identifiers: MedGen C0009782, MONDO:0003900.

Allele frequency attached by ClinVar (database versions not stated): ExAC 0.00001; gnomAD exomes 0.00002 and 0.00003; gnomAD 0.00003 and 0.00004; TOPMed 0.00004; 1000 Genomes Project 30x 0.00016; 1000 Genomes Project 0.00020.
gnomAD v4.1: 42 of 1,614,224 alleles (0.0026%); highest among the groups gnomAD compares: Middle Eastern, 0.033%; no homozygotes.

Submissions (5):

Genomenon, Inc
Classification: Uncertain significance for Hypophosphatasia. Last evaluated: 2026-09-01. Review status: criteria provided, single submitter. Criteria: Genomenon Sequence Variant Interpretation Standards - Updated. Collection method: curation. Allele origin: germline. Affected: no.
Comment: ALPL p.Arg357Gln (c.1070G>A) is a missense variant that changes the amino acid at codon 357 from Arginine to Glutamine. This variant has been reported in the published literature (PMID:32160374). It is absent or not present at a significant frequency in gnomAD. In silico models predict that this variant is not damaging. In conclusion, we classify ALPL p.Arg357Gln (c.1070G>A) as a variant of uncertain significance.

Myriad Genetics, Inc.
Classification: Uncertain significance for Hypophosphatasia. Last evaluated: 2026-04-02. Review status: criteria provided, single submitter. Criteria: Myriad Autosomal Dominant, Autosomal Recessive and X-Linked Classification Criteria (2023). Collection method: clinical testing. Allele origin: unknown.
Comment: NM_000478.4(ALPL):c.1070G>A(R357Q) is a missense variant classified as a variant of uncertain significance in the context of hypophosphatasia. R357Q has been observed in a case with relevant disease (PMID: 39983296). Relevant functional assessments of this variant are available in the literature (PMID: 32160374). R357Q has been observed in referenced population frequency databases. In summary, there is insufficient evidence to classify NM_000478.4(ALPL):c.1070G>A(R357Q) as pathogenic or benign. Please note: this variant was assessed in the context of healthy population screening.

Labcorp Genetics (formerly Invitae), Labcorp
Classification: Uncertain significance. Last evaluated: 2024-06-15. Review status: criteria provided, single submitter. Criteria: Invitae Variant Classification Sherloc (09022015). Collection method: clinical testing. Allele origin: germline.
Comment: This sequence change replaces arginine, which is basic and polar, with glutamine, which is neutral and polar, at codon 357 of the ALPL protein (p.Arg357Gln). This variant is present in population databases (rs202022405, gnomAD 0.003%). This variant has not been reported in the literature in individuals affected with ALPL-related conditions. ClinVar contains an entry for this variant (Variation ID: 1702519). Algorithms developed to predict the effect of missense changes on protein structure and function output the following: SIFT: "Not Available"; PolyPhen-2: "Benign"; Align-GVGD: "Not Available". The glutamine amino acid residue is found in multiple mammalian species, which suggests that this missense change does not adversely affect protein function. In summary, the available evidence is currently insufficient to determine the role of this variant in disease. Therefore, it has been classified as a Variant of Uncertain Significance.

Fulgent Genetics
Classification: Uncertain significance for Adult hypophosphatasia; Infantile hypophosphatasia; Childhood hypophosphatasia. Last evaluated: 2024-04-29. Review status: criteria provided, single submitter. Criteria: ACMG Guidelines, 2015. Collection method: clinical testing. Allele origin: germline.

Genome Diagnostics Laboratory, The Hospital for Sick Children
Classification: Uncertain significance for Connective tissue disorder. Last evaluated: 2019-03-01. Review status: criteria provided, single submitter. Criteria: ACMG Guidelines, 2015. Collection method: clinical testing. Allele origin: germline.

Literature cited by the submitters: PubMed 32160374 (cited by Genomenon, Inc and Myriad Genetics, Inc.); PubMed 39983296 (cited by Myriad Genetics, Inc.).